The following is an entry in ClinVar:

ClinVar aggregate classification (germline): Pathogenic (1 of 4 stars; one submission).

Conditions:
Hereditary breast ovarian cancer syndrome. Also called: Hereditary breast and ovarian cancer syndrome (HBOC); Hereditary breast and/or ovarian cancer syndrome; Hereditary breast and ovarian cancer; BRCA1- and BRCA2-Associated Hereditary Breast and Ovarian Cancer; Hereditary breast and ovarian cancer syndrome; Breast and ovarian cancer. Identifiers: Orphanet 145, MedGen C0677776, MeSH D061325, MONDO:0003582. Disease mechanism: loss of function.

Submission:

Labcorp Genetics (formerly Invitae), Labcorp
Classification: Pathogenic for Hereditary breast ovarian cancer syndrome. Last evaluated: 2020-04-02. Review status: criteria provided, single submitter. Criteria: Invitae Variant Classification Sherloc (09022015). Collection method: clinical testing. Allele origin: germline.
Comment: This variant is a gross deletion of the genomic region encompassing exons 7-23 of the BRCA1 gene. The 5' boundary is likely confined to intron 6. The 3' end of this event is unknown as it extends through the termination codon beyond the assayed region for this gene and may encompass additional genes. While this deletion is not anticipated to result in nonsense mediated decay, it is expected to create a truncated BRCA1 protein by removing ~93% of the full-length protein. Loss-of-function variants including gross deletions in BRCA1 are known to be pathogenic. Deletion of exons 7-23 has been reported in the literature in an individual with breast cancer (PMID: 16551709), and is referred to as a deletion of exons 8-24. For these reasons, this variant has been classified as Pathogenic.

Literature cited by the submitters: PubMed 16551709.

NC_000017.10:g.(?_41197637)_(41251921_?)del

Gene: BRCA1 (BRCA1 DNA repair associated; minus strand). Cytogenetic location: 17q21.31.
Variant type: Deletion.
Identifiers: ClinVar variation 1073299 (VCV001073299.1).